The following is an entry in ClinVar:

NM_000747.3(CHRNB1):c.725G>A (p.Arg242His)

Gene: CHRNB1 (cholinergic receptor nicotinic beta 1 subunit; plus strand). Cytogenetic location: 17p13.1.
Variant type: single nucleotide variant.
Coding change: c.725G>A on transcript NM_000747.3 (MANE Select); coding-DNA position 725, G replaced by A.
Protein change: p.Arg242His; replaces arginine 242 with histidine.
Molecular consequence: missense variant.
Genome position (GRCh38, 1-based): chr17:7,448,693, G>A. VCF-style: chr17-7448693-G-A. GRCh37 (hg19) VCF-style: chr17-7352012-G-A.
Other names: short protein forms R242H.
Identifiers: ClinVar variation 702394 (VCV000702394.11), dbSNP rs79220301, ClinGen allele CA8347871.
Genomic context (GRCh38, chr17:7,448,693, plus strand): 5'-GCGATCCTAGGGGAGGGAGGGAAGGACAGCGCCAGGAAGTCATCTTCTACCTCATCATCC[G>A]CCGCAAGCCTCTCTTCTACCTGGTCAACGTCATTGCCCCATGCATCCTCATCACTCTTCT-3'
Protein context (NP_000738.2, residues 232-252): RQEVIFYLII[Arg242His]RKPLFYLVNV

ClinVar aggregate classification (germline): Conflicting classifications of pathogenicity. Review status: criteria provided, conflicting classifications (1 of 4 stars). 2 submissions from 2 submitters: Uncertain significance (1); Likely benign (1). Last evaluated 2025-10-26.

Conditions:
Congenital myasthenic syndrome 2A. Also called: Myasthenic syndrome, congenital, 2a, slow-channel. Identifiers: Orphanet 590, MedGen C4225374, MONDO:0014581, OMIM 616313.

Allele frequency attached by ClinVar (database versions not stated): gnomAD 0.00017 and 0.00023; gnomAD exomes 0.00022 and 0.00058; TOPMed 0.00028; ExAC 0.00066; 1000 Genomes Project 30x 0.00094; 1000 Genomes Project 0.00120.
gnomAD v4.1: 360 of 1,614,162 alleles (0.022%); highest among the groups gnomAD compares: East Asian, 0.71%; 3 homozygotes.

Submissions (2):

Labcorp Genetics (formerly Invitae), Labcorp
Classification: Likely benign for Congenital myasthenic syndrome 2A. Last evaluated: 2025-10-26. Review status: criteria provided, single submitter. Criteria: Invitae Variant Classification Sherloc (09022015). Collection method: clinical testing. Allele origin: germline.

Women's Health and Genetics/Laboratory Corporation of America, LabCorp
Classification: Uncertain significance. Last evaluated: 2023-06-01. Review status: criteria provided, single submitter. Criteria: LabCorp Variant Classification Summary - May 2015. Collection method: clinical testing. Allele origin: germline.
Comment: Variant summary: CHRNB1 c.725G>A (p.Arg242His) results in a non-conservative amino acid change located in the Neurotransmitter-gated ion-channel ligand-binding domain (IPR006202) of the encoded protein sequence. Five of five in-silico tools predict a damaging effect of the variant on protein function. The variant allele was found at a frequency of 0.00058 in 251460 control chromosomes, predominantly at a frequency of 0.0072 within the East Asian subpopulation in the gnomAD database. c.725G>A has been reported in the literature in an individual with Dravet syndrome. This report does not provide unequivocal conclusions about association of the variant with Congenital Myasthenic Syndrome 2C. To our knowledge, no experimental evidence demonstrating an impact on protein function has been reported. The following publication have been ascertained in the context of this evaluation (PMID: 28686619). One clinical diagnostic laboratory has submitted clinical-significance assessments for this variant to ClinVar after 2014 without evidence for independent evaluation and classified the variant as likely benign. Based on the evidence outlined above, the variant was classified as uncertain significance.

Literature cited by the submitters: PubMed 28686619 (cited by Women's Health and Genetics/Laboratory Corporation of America, LabCorp).